The following is an entry in ClinVar:

ClinVar aggregate classification (germline): Uncertain significance (1 of 4 stars; one submission).

Allele frequency attached by ClinVar (database versions not stated): gnomAD exomes below 0.00001; TOPMed below 0.00001.
gnomAD v4.1: 3 of 1,211,351 alleles (0.00025%); highest among the groups gnomAD compares: Admixed American, 0.0065%; no homozygotes.

Submission:

Labcorp Genetics (formerly Invitae), Labcorp
Classification: Uncertain significance. Last evaluated: 2025-05-24. Review status: criteria provided, single submitter. Criteria: Invitae Variant Classification Sherloc (09022015). Collection method: clinical testing. Allele origin: germline.
Comment: This sequence change replaces threonine, which is neutral and polar, with alanine, which is neutral and non-polar, at codon 65 of the TLR7 protein (p.Thr65Ala). This variant is not present in population databases (gnomAD no frequency). This variant has not been reported in the literature in individuals affected with TLR7-related conditions. ClinVar contains an entry for this variant (Variation ID: 1979562). An algorithm developed to predict the effect of missense changes on protein structure and function outputs the following: PolyPhen-2: "Benign". The alanine amino acid residue is found in multiple mammalian species, which suggests that this missense change does not adversely affect protein function. In summary, the available evidence is currently insufficient to determine the role of this variant in disease. Therefore, it has been classified as a Variant of Uncertain Significance.

NM_016562.4(TLR7):c.193A>G (p.Thr65Ala)

Gene: TLR7 (toll like receptor 7; plus strand). Cytogenetic location: Xp22.2.
Variant type: single nucleotide variant.
Coding change: c.193A>G on transcript NM_016562.4 (MANE Select); coding-DNA position 193, A replaced by G.
Protein change: p.Thr65Ala; replaces threonine 65 with alanine.
Molecular consequence: missense variant.
Genome position (GRCh38, 1-based): chrX:12,885,701, A>G. VCF-style: chrX-12885701-A-G. GRCh37 (hg19) VCF-style: chrX-12903820-A-G.
Other names: short protein forms T65A.
Identifiers: ClinVar variation 1979562 (VCV001979562.4), dbSNP rs2042908064, ClinGen allele CA412404273.